The following is an entry in ClinVar:

ClinVar aggregate classification (germline): Uncertain significance (1 of 4 stars; one submission).

Allele frequency attached by ClinVar (database versions not stated): gnomAD exomes below 0.00001.
gnomAD v4.1: 2 of 1,614,130 alleles (0.00012%); highest among the groups gnomAD compares: Non-Finnish European, 0.00017%; no homozygotes.

Submission:

Labcorp Genetics (formerly Invitae), Labcorp
Classification: Uncertain significance. Last evaluated: 2023-11-13. Review status: criteria provided, single submitter. Criteria: Invitae Variant Classification Sherloc (09022015). Collection method: clinical testing. Allele origin: germline.
Comment: This sequence change replaces proline, which is neutral and non-polar, with serine, which is neutral and polar, at codon 394 of the RAI1 protein (p.Pro394Ser). This variant is not present in population databases (gnomAD no frequency). This variant has not been reported in the literature in individuals affected with RAI1-related conditions. Advanced modeling of protein sequence and biophysical properties (such as structural, functional, and spatial information, amino acid conservation, physicochemical variation, residue mobility, and thermodynamic stability) has been performed at Invitae for this missense variant, however the output from this modeling did not meet the statistical confidence thresholds required to predict the impact of this variant on RAI1 protein function. In summary, the available evidence is currently insufficient to determine the role of this variant in disease. Therefore, it has been classified as a Variant of Uncertain Significance.

NM_030665.4(RAI1):c.1180C>T (p.Pro394Ser)

Gene: RAI1 (retinoic acid induced 1; plus strand). Cytogenetic location: 17p11.2.
Variant type: single nucleotide variant.
Coding change: c.1180C>T on transcript NM_030665.4 (MANE Select); coding-DNA position 1180, C replaced by T.
Protein change: p.Pro394Ser; replaces proline 394 with serine.
Molecular consequence: missense variant.
Genome position (GRCh38, 1-based): chr17:17,794,128, C>T. VCF-style: chr17-17794128-C-T. GRCh37 (hg19) VCF-style: chr17-17697442-C-T.
Other names: short protein forms P394S.
Identifiers: ClinVar variation 2692995 (VCV002692995.3), dbSNP rs2508574185, ClinGen allele CA398547062.